The following is an entry in ClinVar:

ClinVar aggregate classification (germline): Uncertain significance (1 of 4 stars; one submission).

Conditions:
Arrhythmogenic cardiomyopathy with wooly hair and keratoderma. Also called: PALMOPLANTAR KERATODERMA WITH LEFT VENTRICULAR CARDIOMYOPATHY AND WOOLLY HAIR; Carvajal syndrome; Dilated cardiomyopathy with woolly hair and keratoderma; Arrhythmogenic cardiomyopathy with woolly hair and keratoderma. Identifiers: Orphanet 65282, MedGen C1854063, MONDO:0011581, OMIM 605676.
Arrhythmogenic right ventricular dysplasia 8 (ARVD8). Also called: Arrhythmogenic Right Ventricular Dysplasia/Cardiomyopathy 8; ARRHYTHMOGENIC RIGHT VENTRICULAR DYSPLASIA, FAMILIAL, 8; ARRHYTHMOGENIC RIGHT VENTRICULAR CARDIOMYOPATHY 8. Identifiers: MedGen C1843896, MONDO:0011831, OMIM 607450.

Allele frequency attached by ClinVar (database versions not stated): gnomAD exomes below 0.00001; ExAC 0.00001.
gnomAD v4.1: 6 of 1,614,208 alleles (0.00037%); highest among the groups gnomAD compares: Non-Finnish European, 0.00051%; no homozygotes.

Submission:

Labcorp Genetics (formerly Invitae), Labcorp
Classification: Uncertain significance for Arrhythmogenic cardiomyopathy with wooly hair and keratoderma; Arrhythmogenic right ventricular dysplasia 8. Last evaluated: 2024-04-29. Review status: criteria provided, single submitter. Criteria: Invitae Variant Classification Sherloc (09022015). Collection method: clinical testing. Allele origin: germline.
Comment: This sequence change replaces threonine, which is neutral and polar, with proline, which is neutral and non-polar, at codon 102 of the DSP protein (p.Thr102Pro). This variant is present in population databases (rs774135515, gnomAD 0.0009%). This variant has not been reported in the literature in individuals affected with DSP-related conditions. An algorithm developed to predict the effect of missense changes on protein structure and function (PolyPhen-2) suggests that this variant is likely to be tolerated. In summary, the available evidence is currently insufficient to determine the role of this variant in disease. Therefore, it has been classified as a Variant of Uncertain Significance.

NM_004415.4(DSP):c.304A>C (p.Thr102Pro)

Gene: DSP (desmoplakin; plus strand). Cytogenetic location: 6p24.3.
Variant type: single nucleotide variant.
Coding change: c.304A>C on transcript NM_004415.4 (MANE Select); coding-DNA position 304, A replaced by C.
Protein change: p.Thr102Pro; replaces threonine 102 with proline.
Molecular consequence: missense variant.
Genome position (GRCh38, 1-based): chr6:7,558,146, A>C. VCF-style: chr6-7558146-A-C. GRCh37 (hg19) VCF-style: chr6-7558379-A-C.
Other names: c.304A>C, p.Thr102Pro (NM_001008844.3, NM_001319034.2, NM_001406591.1); short protein forms T102P.
Identifiers: ClinVar variation 2940530 (VCV002940530.3), dbSNP rs774135515, ClinGen allele CA036733.